The following is an entry in ClinVar:

NM_000038.6(APC):c.7016C>G (p.Pro2339Arg)

Gene: APC (APC regulator of Wnt signaling pathway; plus strand). Cytogenetic location: 5q22.2.
Variant type: single nucleotide variant.
Coding change: c.7016C>G on transcript NM_000038.6 (MANE Select); coding-DNA position 7016, C replaced by G.
Protein change: p.Pro2339Arg; replaces proline 2339 with arginine.
Molecular consequence: missense variant. On other transcripts: non-coding transcript variant (2).
Genome position (GRCh38, 1-based): chr5:112,842,610, C>G. VCF-style: chr5-112842610-C-G. GRCh37 (hg19) VCF-style: chr5-112178307-C-G.
Other names: c.7100C>G, p.Pro2367Arg (NM_001407446.1); c.7070C>G, p.Pro2357Arg (NM_001407447.1, NM_001407448.1, NM_001407449.1 and 1 more transcripts); c.6986C>G, p.Pro2329Arg (NM_001407452.1); c.6839C>G, p.Pro2280Arg (NM_001407453.1, NM_001354901.2); c.6767C>G, p.Pro2256Arg (NM_001407454.1, NM_001407455.1, NM_001407456.1 and 1 more transcripts); c.7016C>G, p.Pro2339Arg (NM_001407450.1, NM_001127510.3, NM_001354895.2); c.6995C>G, p.Pro2332Arg (NM_001407451.1); c.6962C>G, p.Pro2321Arg (NM_001127511.3); and 11 more; short protein forms P2213R, P2298R, P2311R, P2332R, P2179R, P2238R, P2248R, P2321R.
Identifiers: ClinVar variation 2452734 (VCV002452734.2), dbSNP rs1169203739, ClinGen allele CA16036626.

ClinVar aggregate classification (germline): Uncertain significance (1 of 4 stars; one submission).

Conditions:
Hereditary cancer-predisposing syndrome. Also called: Neoplastic Syndromes, Hereditary; Tumor predisposition; Hereditary neoplastic syndrome; Hereditary Cancer Syndrome. Identifiers: Orphanet 140162, MedGen C0027672, MeSH D009386, MONDO:0015356.

Allele frequency attached by ClinVar (database versions not stated): gnomAD exomes below 0.00001.
gnomAD v4.1: 1 of 1,613,828 alleles (0.000062%); highest among the groups gnomAD compares: East Asian, 0.0022%; no homozygotes.

Submission:

Ambry Genetics
Classification: Uncertain significance for Hereditary cancer-predisposing syndrome. Last evaluated: 2023-02-12. Review status: criteria provided, single submitter. Criteria: Ambry Variant Classification Scheme 2023. Collection method: clinical testing. Allele origin: germline.
Comment: The p.P2339R variant (also known as c.7016C>G), located in coding exon 15 of the APC gene, results from a C to G substitution at nucleotide position 7016. The proline at codon 2339 is replaced by arginine, an amino acid with dissimilar properties. This amino acid position is conserved. In addition, in silico predictors for this gene do not accurately predict pathogenicity. Since supporting evidence is limited at this time, the clinical significance of this alteration remains unclear.